The following is an entry in ClinVar:

NM_032242.4(PLXNA1):c.1071G>A (p.Leu357=)

Gene: PLXNA1 (plexin A1; plus strand). Cytogenetic location: 3q21.3.
Variant type: single nucleotide variant.
Coding change: c.1071G>A on transcript NM_032242.4 (MANE Select); coding-DNA position 1071, G replaced by A.
Protein change: p.Leu357=; no amino-acid change (leucine 357 retained).
Molecular consequence: synonymous variant.
Genome position (GRCh38, 1-based): chr3:126,989,664, G>A. VCF-style: chr3-126989664-G-A. GRCh37 (hg19) VCF-style: chr3-126708507-G-A.
Identifiers: ClinVar variation 4997044 (VCV004997044.1).

ClinVar aggregate classification (germline): Likely benign (1 of 4 stars; one submission).

Conditions:
PLXNA1-related disorder. Also called: PLXNA1-related condition.

gnomAD v4.1: 1 of 1,613,166 alleles (0.000062%); highest among the groups gnomAD compares: East Asian, 0.0022%; no homozygotes.

Submission:

PreventionGenetics, part of Exact Sciences
Classification: Likely benign for PLXNA1-related condition. Last evaluated: 2025-05-06. Review status: criteria provided, single submitter. Criteria: ACMG Guidelines, 2015. Collection method: clinical testing. Allele origin: germline.
Comment: This variant is classified as likely benign based on ACMG/AMP sequence variant interpretation guidelines (Richards et al. 2015 PMID: 25741868, with internal and published modifications).